The following is an entry in ClinVar:

NC_000023.11:g.(?_32342080)_(32518151_?)del

Gene: DMD (dystrophin; minus strand). Cytogenetic location: Xp21.1.
Variant type: Deletion.
Identifiers: ClinVar variation 455831 (VCV000455831.8).

ClinVar aggregate classification (germline): Pathogenic (1 of 4 stars; one submission).

Conditions:
Duchenne muscular dystrophy (DMD). Also called: MUSCULAR DYSTROPHY, PSEUDOHYPERTROPHIC PROGRESSIVE, DUCHENNE TYPE; Duchenne Muscular Dystrophy (DMD). Identifiers: Orphanet 98896, MedGen C0013264, MONDO:0010679, OMIM 310200.

Submission:

Labcorp Genetics (formerly Invitae), Labcorp
Classification: Pathogenic for Duchenne muscular dystrophy. Last evaluated: 2017-05-15. Review status: criteria provided, single submitter. Criteria: Invitae Variant Classification Sherloc (09022015). Collection method: clinical testing. Allele origin: germline.
Comment: For these reasons, this variant has been classified as Pathogenic. Loss-of-function variants in DMD are known to be pathogenic. This particular variant has been reported in the literature (PMID: 19937601). This variant is an out-of-frame deletion of the genomic region encompassing exons 18-41 of the DMD gene. This creates a premature translational stop signal and is expected to result in an absent or disrupted protein product.

Literature cited by the submitters: PubMed 19937601.